The following is an entry in ClinVar:

NM_194454.3(KRIT1):c.570_583del (p.Ile191fs)

Gene: KRIT1 (KRIT1 ankyrin repeat containing; minus strand). Cytogenetic location: 7q21.2.
Variant type: Deletion.
Coding change: c.570_583del on transcript NM_194454.3 (MANE Select); coding-DNA positions 570 to 583, 14 bases deleted (CATAAATCCTGCAT).
Protein change: p.Ile191fs; shifts the reading frame from isoleucine 191.
Molecular consequence: frameshift variant. On other transcripts: 5 prime UTR variant (1).
Genome position (GRCh38, 1-based): chr7:92,235,549-92,235,562, ATGCAGGATTTATG deleted on the plus strand (CATAAATCCTGCAT on the coding strand, the reverse complement: KRIT1 is on the minus strand); deleting any 14 consecutive bases within chr7:92,235,549-92,235,563 gives the same sequence; the c. name uses the placement nearest the transcript's 3' end. VCF-style (leftmost placement, unchanged base first): chr7-92235548-TATGCAGGATTTATG-T. GRCh37 (hg19) VCF-style: chr7-91864862-TATGCAGGATTTATG-T.
Other names: c.570_583del, p.Ile191fs (NM_001350692.1, NM_001350693.1, NM_001350694.1 and 29 more transcripts); c.-14_-1del (NM_001350671.1); short protein forms I191fs.
Identifiers: ClinVar variation 942206 (VCV000942206.10), dbSNP rs1798258547, ClinGen allele CA1139660119.
Genomic context (GRCh38, chr7:92,235,548, plus strand): 5'-ATTTCTAGTGCACTATAGCCCATATGTAGTGAGTTTTCTGTCTGACCTGATTCAGTAGCA[TATGCAGGATTTATG>T]ACATTAGTTTTTATCCGCTCAAGAGGAGAAGGTCGGAATAAAGCTGGAATAAAGTGAGAT-3'

ClinVar aggregate classification (germline): Pathogenic (1 of 4 stars; one submission).

Conditions:
Cerebral cavernous malformation (CCM). Also called: CAVERNOUS ANGIOMA, FAMILIAL; CAVERNOUS ANGIOMATOUS MALFORMATIONS; CEREBRAL CAPILLARY MALFORMATIONS; Cerebral cavernous hemangioma (type); Cavernous Hemangioma of Brain; Cerebral cavernous malformations. Identifiers: Orphanet 221061, MedGen C2919945, MONDO:0000820, OMIM 116860, HP:0033522.

Submission:

Labcorp Genetics (formerly Invitae), Labcorp
Classification: Pathogenic for Cerebral cavernous malformation. Last evaluated: 2020-08-06. Review status: criteria provided, single submitter. Criteria: Invitae Variant Classification Sherloc (09022015). Collection method: clinical testing. Allele origin: germline.
Comment: For these reasons, this variant has been classified as Pathogenic. Loss-of-function variants in KRIT1 are known to be pathogenic (PMID: 10508515, 11222804, 12404106, 24689081). This variant has been observed in individual(s) with cerebral cavernous malformations (Invitae). ClinVar contains an entry for this variant (Variation ID: 942206). This variant is not present in population databases (ExAC no frequency). This sequence change creates a premature translational stop signal (p.Ile191Cysfs*3) in the KRIT1 gene. It is expected to result in an absent or disrupted protein product.

Literature cited by the submitters: PubMed 10508515; PubMed 11222804; PubMed 12404106; PubMed 24689081.